The following is an entry in ClinVar:

ClinVar aggregate classification (germline): Uncertain significance. Review status: criteria provided, single submitter (1 of 4 stars). 2 submissions from 2 submitters: Uncertain significance (1). 1 of the submissions does not count toward it. Last evaluated 2022-01-06.

Conditions:
Usher syndrome type 1 (USH1). Also called: RETINITIS PIGMENTOSA AND CONGENITAL DEAFNESS. Identifiers: Orphanet 231169, Orphanet 886, MedGen C1568247, MONDO:0010168, OMIM 276900.

Allele frequency attached by ClinVar (database versions not stated): gnomAD exomes below 0.00001; ExAC 0.00001; TOPMed 0.00001; gnomAD 0.00001.
gnomAD v4.1: 4 of 1,611,774 alleles (0.00025%); highest among the groups gnomAD compares: African/African-American, 0.0053%; no homozygotes.

Submissions (2):

Labcorp Genetics (formerly Invitae), Labcorp
Classification: Uncertain significance. Last evaluated: 2022-01-06. Review status: criteria provided, single submitter. Criteria: Invitae Variant Classification Sherloc (09022015). Collection method: clinical testing. Allele origin: germline.
Comment: This sequence change falls in intron 30 of the CDH23 gene. It does not directly change the encoded amino acid sequence of the CDH23 protein. It affects a nucleotide within the consensus splice site. This variant is present in population databases (rs761976651, gnomAD 0.009%). This variant has not been reported in the literature in individuals affected with CDH23-related conditions. ClinVar contains an entry for this variant (Variation ID: 968038). Variants that disrupt the consensus splice site are a relatively common cause of aberrant splicing (PMID: 17576681, 9536098). Algorithms developed to predict the effect of sequence changes on RNA splicing suggest that this variant is not likely to affect RNA splicing. In summary, the available evidence is currently insufficient to determine the role of this variant in disease. Therefore, it has been classified as a Variant of Uncertain Significance.

Natera, Inc.
Classification: Uncertain significance for Usher syndrome type 1. Last evaluated: 2020-03-11. Review status: no assertion criteria provided. Collection method: clinical testing. Allele origin: germline. Not counted in ClinVar's aggregate classification.

Literature cited by the submitters: PubMed 17576681 (cited by Labcorp Genetics (formerly Invitae), Labcorp); PubMed 9536098 (cited by Labcorp Genetics (formerly Invitae), Labcorp).

NM_022124.6(CDH23):c.3579+3G>A

Genes: C10orf105 (chromosome 10 open reading frame 105; minus strand), CDH23 (cadherin related 23; plus strand). Cytogenetic location: 10q22.1.
Variant type: single nucleotide variant.
Coding change: c.3579+3G>A on transcript NM_022124.6 (MANE Select); 3 bases into the intron after coding-DNA position 3579, G replaced by A.
Molecular consequence: intron variant.
Genome position (GRCh38, 1-based): chr10:71,725,523, G>A. VCF-style: chr10-71725523-G-A. GRCh37 (hg19) VCF-style: chr10-73485280-G-A.
Other names: c.3579+3G>A (NM_001171930.2); c.-5-9181C>T (NM_001168390.2).
Identifiers: ClinVar variation 968038 (VCV000968038.7), dbSNP rs761976651, ClinGen allele CA5544766.
Genomic context (GRCh38, chr10:71,725,523, plus strand): 5'-CGTGCTGATAGTGGAGGCCTACAACCACGACCTGGGCCCCATGCGGAGCTCCGTCAGGGT[G>A]AGGCTAGGGGCGGGCTGGGGTGCTGACCTCAGGACGGGGCCAAGCCCACAGCTAGAACAG-3'